The following is an entry in ClinVar:

NM_032043.3(BRIP1):c.811dup (p.Val271fs)

Gene: BRIP1 (BRCA1 interacting DNA helicase 1; minus strand). Cytogenetic location: 17q23.2.
Variant type: Duplication.
Coding change: c.811dup on transcript NM_032043.3 (MANE Select); coding-DNA position 811, one base duplicated (G; older notation c.811dupG).
Protein change: p.Val271fs; shifts the reading frame from valine 271.
Molecular consequence: frameshift variant.
Genome position (GRCh38, 1-based): chr17:61,808,574, C duplicated on the plus strand (G on the coding strand, the reverse complement: BRIP1 is on the minus strand); the first of 4 consecutive C bases (chr17:61,808,574-61,808,577); duplicating any one gives the same sequence. VCF-style (leftmost placement, unchanged base first): chr17-61808573-A-AC. GRCh37 (hg19) VCF-style: chr17-59885934-A-AC.
Other names: short protein forms V271fs.
Identifiers: ClinVar variation 2583557 (VCV002583557.2), dbSNP rs2545195502, ClinGen allele CA2582342244.

ClinVar aggregate classification (germline): Pathogenic (1 of 4 stars; one submission).

Conditions:
Familial cancer of breast. Also called: Hereditary breast cancer; BREAST CANCER, FAMILIAL; hereditary breast carcinoma. Identifiers: Orphanet 227535, MedGen C0346153, MONDO:0016419, OMIM 114480. Disease mechanism: loss of function.

Submission:

Myriad Genetics, Inc.
Classification: Pathogenic for Familial cancer of breast. Last evaluated: 2023-05-31. Review status: criteria provided, single submitter. Criteria: Myriad Autosomal Dominant, Autosomal Recessive and X-Linked Classification Criteria (2023). Collection method: clinical testing. Allele origin: unknown.
Comment: This variant is considered pathogenic. This variant creates a frameshift predicted to result in premature protein truncation.